The following is an entry in ClinVar:

NM_001100913.3(PACS2):c.2213C>G (p.Pro738Arg)

Gene: PACS2 (phosphofurin acidic cluster sorting protein 2; plus strand). Cytogenetic location: 14q32.33.
Variant type: single nucleotide variant.
Coding change: c.2213C>G on transcript NM_001100913.3 (MANE Select); coding-DNA position 2213, C replaced by G.
Protein change: p.Pro738Arg; replaces proline 738 with arginine.
Molecular consequence: missense variant.
Genome position (GRCh38, 1-based): chr14:105,391,724, C>G. VCF-style: chr14-105391724-C-G. GRCh37 (hg19) VCF-style: chr14-105858061-C-G.
Other names: c.1943C>G, p.Pro648Arg (NM_001243127.3); c.2168C>G, p.Pro723Arg (NM_015197.4); short protein forms P648R, P723R, P738R.
Identifiers: ClinVar variation 3701919 (VCV003701919.2).

ClinVar aggregate classification (germline): Uncertain significance (1 of 4 stars; one submission).

Submission:

Labcorp Genetics (formerly Invitae), Labcorp
Classification: Uncertain significance. Last evaluated: 2025-02-18. Review status: criteria provided, single submitter. Criteria: Invitae Variant Classification Sherloc (09022015). Collection method: clinical testing. Allele origin: germline.
Comment: This sequence change replaces proline, which is neutral and non-polar, with arginine, which is basic and polar, at codon 738 of the PACS2 protein (p.Pro738Arg). This variant is not present in population databases (gnomAD no frequency). This variant has not been reported in the literature in individuals affected with PACS2-related conditions. Invitae Evidence Modeling of protein sequence and biophysical properties (such as structural, functional, and spatial information, amino acid conservation, physicochemical variation, residue mobility, and thermodynamic stability) indicates that this missense variant is expected to disrupt PACS2 protein function with a positive predictive value of 80%. In summary, the available evidence is currently insufficient to determine the role of this variant in disease. Therefore, it has been classified as a Variant of Uncertain Significance.